The following is an entry in ClinVar:

ClinVar aggregate classification (germline): Uncertain significance. Review status: criteria provided, multiple submitters, no conflicts (2 of 4 stars). 3 submissions from 3 submitters: Uncertain significance (3). Last evaluated 2025-07-14.

Conditions:
Dilated cardiomyopathy 1GG (CMD1GG). Identifiers: Orphanet 154, MedGen C3150898, MONDO:0013339, OMIM 613642.
Hereditary cancer-predisposing syndrome. Also called: Tumor predisposition; Neoplastic Syndromes, Hereditary; Hereditary Cancer Syndrome; Hereditary neoplastic syndrome. Identifiers: Orphanet 140162, MedGen C0027672, MeSH D009386, MONDO:0015356.
Pheochromocytoma/paraganglioma syndrome 5. Also called: Paragangliomas 5; SDHA-Related Hereditary Paraganglioma-Pheochromocytoma Syndrome. Identifiers: Orphanet 29072, MedGen C3279992, MONDO:0013602, OMIM 614165.
Mitochondrial complex II deficiency, nuclear type 1. Also called: SUCCINATE CoQ REDUCTASE DEFICIENCY. Identifiers: Orphanet 3208, MedGen C5700310, MONDO:0100294, OMIM 252011.

Allele frequency attached by ClinVar (database versions not stated): gnomAD exomes 0.00001; TOPMed 0.00001; gnomAD 0.00002.

Submissions (3):

Labcorp Genetics (formerly Invitae), Labcorp
Classification: Uncertain significance for Pheochromocytoma/paraganglioma syndrome 5; Mitochondrial complex II deficiency, nuclear type 1. Last evaluated: 2025-07-14. Review status: criteria provided, single submitter. Criteria: Invitae Variant Classification Sherloc (09022015). Collection method: clinical testing. Allele origin: germline.
Comment: This sequence change replaces asparagine, which is neutral and polar, with aspartic acid, which is acidic and polar, at codon 416 of the SDHA protein (p.Asn416Asp). This variant is present in population databases (no rsID available, gnomAD 0.01%). This variant has not been reported in the literature in individuals affected with SDHA-related conditions. ClinVar contains an entry for this variant (Variation ID: 642754). Invitae Evidence Modeling of protein sequence and biophysical properties (such as structural, functional, and spatial information, amino acid conservation, physicochemical variation, residue mobility, and thermodynamic stability) indicates that this missense variant is not expected to disrupt SDHA protein function with a negative predictive value of 95%. In summary, the available evidence is currently insufficient to determine the role of this variant in disease. Therefore, it has been classified as a Variant of Uncertain Significance.

Ambry Genetics
Classification: Uncertain significance for Hereditary cancer-predisposing syndrome. Last evaluated: 2025-06-25. Review status: criteria provided, single submitter. Criteria: Ambry Variant Classification Scheme 2023. Collection method: clinical testing. Allele origin: germline.
Comment: The p.N416D variant (also known as c.1246A>G), located in coding exon 9 of the SDHA gene, results from an A to G substitution at nucleotide position 1246. The asparagine at codon 416 is replaced by aspartic acid, an amino acid with highly similar properties. This amino acid position is highly conserved in available vertebrate species. In addition, this alteration is predicted to be tolerated by in silico analysis. Based on the available evidence, the clinical significance of this variant remains unclear.

Baylor Genetics
Classification: Uncertain significance for Dilated cardiomyopathy 1GG. Last evaluated: 2023-07-14. Review status: criteria provided, single submitter. Criteria: ACMG Guidelines, 2015. Collection method: clinical testing. Allele origin: unknown.

NM_004168.4(SDHA):c.1246A>G (p.Asn416Asp)

Gene: SDHA (succinate dehydrogenase complex flavoprotein subunit A; plus strand). Cytogenetic location: 5p15.33.
Variant type: single nucleotide variant.
Coding change: c.1246A>G on transcript NM_004168.4 (MANE Select); coding-DNA position 1246, A replaced by G.
Protein change: p.Asn416Asp; replaces asparagine 416 with aspartic acid.
Molecular consequence: missense variant.
Genome position (GRCh38, 1-based): chr5:235,325, A>G. VCF-style: chr5-235325-A-G. GRCh37 (hg19) VCF-style: chr5-235440-A-G.
Other names: c.1102A>G, p.Asn368Asp (NM_001294332.2); c.1246A>G, p.Asn416Asp (NM_001330758.2); short protein forms N368D, N416D.
Identifiers: ClinVar variation 642754 (VCV000642754.14), dbSNP rs1355851620, ClinGen allele CA359013750.